The following is an entry in ClinVar:

NM_000079.4(CHRNA1):c.124G>T (p.Val42Leu)

Gene: CHRNA1 (cholinergic receptor nicotinic alpha 1 subunit; minus strand). Cytogenetic location: 2q31.1.
Variant type: single nucleotide variant.
Coding change: c.124G>T on transcript NM_000079.4 (MANE Select); coding-DNA position 124, G replaced by T.
Protein change: p.Val42Leu; replaces valine 42 with leucine.
Molecular consequence: missense variant.
Genome position (GRCh38, 1-based): chr2:174,759,553, C>A on the plus strand (G>T on the coding strand, the complement: CHRNA1 is on the minus strand). VCF-style: chr2-174759553-C-A. GRCh37 (hg19) VCF-style: chr2-175624281-C-A.
Other names: c.124G>T, p.Val42Leu (NM_001039523.3); short protein forms V42L.
Identifiers: ClinVar variation 1056963 (VCV001056963.9), dbSNP rs1376655390, ClinGen allele CA349344475.

ClinVar aggregate classification (germline): Uncertain significance (1 of 4 stars; one submission).

Conditions:
Lethal multiple pterygium syndrome (LMPS). Identifiers: Orphanet 33108, MedGen C1854678, MONDO:0009668, OMIM 253290.

Allele frequency attached by ClinVar (database versions not stated): gnomAD 0.00001; gnomAD exomes 0.00001; TOPMed 0.00001.
gnomAD v4.1: 14 of 1,613,938 alleles (0.00087%); highest among the groups gnomAD compares: African/African-American, 0.0027%; no homozygotes.

Submission:

Labcorp Genetics (formerly Invitae), Labcorp
Classification: Uncertain significance for Lethal multiple pterygium syndrome. Last evaluated: 2022-08-16. Review status: criteria provided, single submitter. Criteria: Invitae Variant Classification Sherloc (09022015). Collection method: clinical testing. Allele origin: germline.
Comment: This sequence change replaces valine, which is neutral and non-polar, with leucine, which is neutral and non-polar, at codon 42 of the CHRNA1 protein (p.Val42Leu). This variant has not been reported in the literature in individuals affected with CHRNA1-related conditions. This variant is not present in population databases (gnomAD no frequency). In summary, the available evidence is currently insufficient to determine the role of this variant in disease. Therefore, it has been classified as a Variant of Uncertain Significance. Advanced modeling of protein sequence and biophysical properties (such as structural, functional, and spatial information, amino acid conservation, physicochemical variation, residue mobility, and thermodynamic stability) performed at Invitae indicates that this missense variant is not expected to disrupt CHRNA1 protein function. ClinVar contains an entry for this variant (Variation ID: 1056963).